The following is an entry in ClinVar:

NM_024548.4(CEP97):c.1844G>C (p.Arg615Pro)

Gene: CEP97 (centrosomal protein 97; plus strand). Cytogenetic location: 3q12.3.
Variant type: single nucleotide variant.
Coding change: c.1844G>C on transcript NM_024548.4 (MANE Select); coding-DNA position 1844, G replaced by C.
Protein change: p.Arg615Pro; replaces arginine 615 with proline.
Molecular consequence: missense variant.
Genome position (GRCh38, 1-based): chr3:101,762,511, G>C. VCF-style: chr3-101762511-G-C. GRCh37 (hg19) VCF-style: chr3-101481355-G-C.
Other names: c.1844G>C (NM_024548.2); c.1667G>C, p.Arg556Pro (NM_001303401.2); c.1742G>C, p.Arg581Pro (NM_001410784.1); c.1565G>C, p.Arg522Pro (NM_001410785.1); short protein forms R615P, R556P, R522P, R581P.
Identifiers: ClinVar variation 1938277 (VCV001938277.6), dbSNP rs371995529, ClinGen allele CA2522215.

ClinVar aggregate classification (germline): Uncertain significance. Review status: criteria provided, multiple submitters, no conflicts (2 of 4 stars). 2 submissions from 2 submitters: Uncertain significance (2). Last evaluated 2025-12-04.

gnomAD v4.1: 60 of 1,610,126 alleles (0.0037%); highest among the groups gnomAD compares: Non-Finnish European, 0.0045%; no homozygotes.

Submissions (2):

Ambry Genetics
Classification: Uncertain significance. Last evaluated: 2025-12-04. Review status: criteria provided, single submitter. Criteria: Ambry Variant Classification Scheme 2023. Collection method: clinical testing. Allele origin: germline.

Labcorp Genetics (formerly Invitae), Labcorp
Classification: Uncertain significance. Last evaluated: 2025-08-07. Review status: criteria provided, single submitter. Criteria: Invitae Variant Classification Sherloc (09022015). Collection method: clinical testing. Allele origin: germline.
Comment: This sequence change replaces arginine, which is basic and polar, with proline, which is neutral and non-polar, at codon 615 of the CEP97 protein (p.Arg615Pro). This variant is present in population databases (rs371995529, gnomAD 0.003%). This variant has not been reported in the literature in individuals affected with CEP97-related conditions. ClinVar contains an entry for this variant (Variation ID: 1938277). Invitae Evidence Modeling of protein sequence and biophysical properties (such as structural, functional, and spatial information, amino acid conservation, physicochemical variation, residue mobility, and thermodynamic stability) indicates that this missense variant is not expected to disrupt CEP97 protein function with a negative predictive value of 80%. In summary, the available evidence is currently insufficient to determine the role of this variant in disease. Therefore, it has been classified as a Variant of Uncertain Significance.